The following is an entry in ClinVar:

ClinVar aggregate classification (germline): Conflicting classifications of pathogenicity. Review status: criteria provided, conflicting classifications (1 of 4 stars). 2 submissions from 2 submitters: Uncertain significance (1); Likely benign (1). Last evaluated 2025-05-01.

gnomAD v4.1: 6 of 1,614,186 alleles (0.00037%); highest among the groups gnomAD compares: Middle Eastern, 0.016%; no homozygotes.

Submissions (2):

CeGaT Center for Human Genetics Tuebingen
Classification: Likely benign. Last evaluated: 2025-05-01. Review status: criteria provided, single submitter. Criteria: CeGaT Center For Human Genetics Tuebingen Variant Classification Criteria Version 2. Collection method: clinical testing. Allele origin: germline. Affected: yes. Observed: 1 variant allele.
Comment: NEUROD1: BP4

Labcorp Genetics (formerly Invitae), Labcorp
Classification: Uncertain significance. Last evaluated: 2024-04-01. Review status: criteria provided, single submitter. Criteria: Invitae Variant Classification Sherloc (09022015). Collection method: clinical testing. Allele origin: germline.
Comment: This sequence change replaces aspartic acid, which is acidic and polar, with glutamic acid, which is acidic and polar, at codon 202 of the NEUROD1 protein (p.Asp202Glu). This variant is not present in population databases (gnomAD no frequency). This variant has not been reported in the literature in individuals affected with NEUROD1-related conditions. Advanced modeling of protein sequence and biophysical properties (such as structural, functional, and spatial information, amino acid conservation, physicochemical variation, residue mobility, and thermodynamic stability) performed at Invitae indicates that this missense variant is not expected to disrupt NEUROD1 protein function with a negative predictive value of 80%. In summary, the available evidence is currently insufficient to determine the role of this variant in disease. Therefore, it has been classified as a Variant of Uncertain Significance.

NM_002500.5(NEUROD1):c.606C>G (p.Asp202Glu)

Gene: NEUROD1 (neuronal differentiation 1; minus strand). Cytogenetic location: 2q31.3.
Variant type: single nucleotide variant.
Coding change: c.606C>G on transcript NM_002500.5 (MANE Select); coding-DNA position 606, C replaced by G.
Protein change: p.Asp202Glu; replaces aspartic acid 202 with glutamic acid.
Molecular consequence: missense variant.
Genome position (GRCh38, 1-based): chr2:181,678,255, G>C on the plus strand (C>G on the coding strand, the complement: NEUROD1 is on the minus strand). VCF-style: chr2-181678255-G-C. GRCh37 (hg19) VCF-style: chr2-182542982-G-C.
Other names: short protein forms D202E.
Identifiers: ClinVar variation 3677707 (VCV003677707.12).